The following is an entry in ClinVar:

ClinVar aggregate classification (germline): Likely benign (1 of 4 stars; one submission).

Allele frequency attached by ClinVar (database versions not stated): 1000 Genomes Project 0.00220; 1000 Genomes Project 30x 0.00265; TOPMed 0.00471; ESP Exome Variant Server 0.00508; gnomAD 0.00684; ExAC 0.00695; gnomAD exomes 0.00708.
gnomAD v4.1: 11,276 of 1,612,934 alleles (0.7%); highest among the groups gnomAD compares: Non-Finnish European, 0.72%; 69 homozygotes.

Submission:

CeGaT Center for Human Genetics Tuebingen
Classification: Likely benign. Last evaluated: 2022-11-01. Review status: criteria provided, single submitter. Criteria: CeGaT Center For Human Genetics Tuebingen Variant Classification Criteria Version 2. Collection method: clinical testing. Allele origin: germline. Affected: yes. Observed: 1 variant allele.
Comment: EXOC3L1: BS2

NM_178516.4(EXOC3L1):c.223T>A (p.Tyr75Asn)

Gene: EXOC3L1 (exocyst complex component 3 like 1; minus strand). Cytogenetic location: 16q22.1.
Variant type: single nucleotide variant.
Coding change: c.223T>A on transcript NM_178516.4 (MANE Select); coding-DNA position 223, T replaced by A.
Protein change: p.Tyr75Asn; replaces tyrosine 75 with asparagine.
Molecular consequence: missense variant.
Genome position (GRCh38, 1-based): chr16:67,188,925, A>T on the plus strand (T>A on the coding strand, the complement: EXOC3L1 is on the minus strand). VCF-style: chr16-67188925-A-T. GRCh37 (hg19) VCF-style: chr16-67222828-A-T.
Other names: short protein forms Y75N.
Identifiers: ClinVar variation 2646613 (VCV002646613.24), dbSNP rs117403380, ClinGen allele CA8103436.